The following is an entry in ClinVar:

ClinVar aggregate classification (germline): Likely pathogenic (1 of 4 stars; one submission).

Conditions:
Dihydropteridine reductase deficiency (HPABH4C). Also called: BH4-Deficient Hyperphenylalaninemia C; HYPERPHENYLALANINEMIA, TETRAHYDROBIOPTERIN-DEFICIENT, DUE TO DHPR DEFICIENCY; QDPR DEFICIENCY; QUINOID DIHYDROPTERIDINE REDUCTASE DEFICIENCY; Phenylketonuria II; Hyperphenylalaninemia due to dihydropteridine reductase deficiency. Identifiers: Orphanet 226, Orphanet 238583, MedGen C0268465, MONDO:0009862, OMIM 261630.

Allele frequency attached by ClinVar (database versions not stated): gnomAD exomes below 0.00001 and 0.00001; TOPMed 0.00001.
gnomAD v4.1: 10 of 1,614,054 alleles (0.00062%); highest among the groups gnomAD compares: South Asian, 0.0011%; no homozygotes.

Submission:

Labcorp Genetics (formerly Invitae), Labcorp
Classification: Likely pathogenic for Dihydropteridine reductase deficiency. Last evaluated: 2024-11-19. Review status: criteria provided, single submitter. Criteria: Invitae Variant Classification Sherloc (09022015). Collection method: clinical testing. Allele origin: germline.
Comment: This sequence change replaces glycine, which is neutral and non-polar, with arginine, which is basic and polar, at codon 149 of the QDPR protein (p.Gly149Arg). This variant is present in population databases (no rsID available, gnomAD 0.0009%). This missense change has been observed in individual(s) with dihydropteridine reductase (DHPR) deficiency (PMID: 11153907, 21890392). ClinVar contains an entry for this variant (Variation ID: 1506774). An algorithm developed to predict the effect of missense changes on protein structure and function (PolyPhen-2) suggests that this variant is likely to be disruptive. In summary, the currently available evidence indicates that the variant is pathogenic, but additional data are needed to prove that conclusively. Therefore, this variant has been classified as Likely Pathogenic.

Literature cited by the submitters: PubMed 11153907; PubMed 21890392.

NM_000320.3(QDPR):c.445G>A (p.Gly149Arg)

Gene: QDPR (quinoid dihydropteridine reductase; minus strand). Cytogenetic location: 4p15.32.
Variant type: single nucleotide variant.
Coding change: c.445G>A on transcript NM_000320.3 (MANE Select); coding-DNA position 445, G replaced by A.
Protein change: p.Gly149Arg; replaces glycine 149 with arginine.
Molecular consequence: missense variant.
Genome position (GRCh38, 1-based): chr4:17,492,332, C>T on the plus strand (G>A on the coding strand, the complement: QDPR is on the minus strand). VCF-style: chr4-17492332-C-T. GRCh37 (hg19) VCF-style: chr4-17493955-C-T.
Other names: c.352G>A, p.Gly118Arg (NM_001306140.2); short protein forms G118R, G149R.
Identifiers: ClinVar variation 1506774 (VCV001506774.8), dbSNP rs1028029163, ClinGen allele CA92593641.